The following is an entry in ClinVar:

ClinVar aggregate classification (germline): Uncertain significance (1 of 4 stars; one submission).

Conditions:
Cardiovascular phenotype. Identifiers: MedGen CN230736.

Submission:

Ambry Genetics
Classification: Uncertain significance for Cardiovascular phenotype. Last evaluated: 2025-06-22. Review status: criteria provided, single submitter. Criteria: Ambry Variant Classification Scheme 2023. Collection method: clinical testing. Allele origin: germline.
Comment: The p.T92A variant (also known as c.274A>G), located in coding exon 7 of the MFAP5 gene, results from an A to G substitution at nucleotide position 274. The threonine at codon 92 is replaced by alanine, an amino acid with similar properties. This amino acid position is conserved. In addition, the in silico prediction for this alteration is inconclusive. Based on the available evidence, the clinical significance of this variant remains unclear.

NM_003480.4(MFAP5):c.274A>G (p.Thr92Ala)

Gene: MFAP5 (microfibril associated protein 5; minus strand). Cytogenetic location: 12p13.31.
Variant type: single nucleotide variant.
Coding change: c.274A>G on transcript NM_003480.4 (MANE Select); coding-DNA position 274, A replaced by G.
Protein change: p.Thr92Ala; replaces threonine 92 with alanine.
Molecular consequence: missense variant. On other transcripts: non-coding transcript variant (2), intron variant (1).
Genome position (GRCh38, 1-based): chr12:8,650,563, T>C on the plus strand (A>G on the coding strand, the complement: MFAP5 is on the minus strand). VCF-style: chr12-8650563-T-C. GRCh37 (hg19) VCF-style: chr12-8803159-T-C.
Other names: c.244A>G, p.Thr82Ala (NM_001297709.2); c.208A>G, p.Thr70Ala (NM_001297710.2); c.199A>G, p.Thr67Ala (NM_001297711.2); c.218-2360A>G (NM_001297712.2); short protein forms T67A, T70A, T82A, T92A.
Identifiers: ClinVar variation 4107152 (VCV004107152.1).